The following is an entry in ClinVar:

NM_000138.5(FBN1):c.4942G>C (p.Asp1648His)

Gene: FBN1 (fibrillin 1; minus strand). Cytogenetic location: 15q21.1.
Variant type: single nucleotide variant.
Coding change: c.4942G>C on transcript NM_000138.5 (MANE Select); coding-DNA position 4942, G replaced by C.
Protein change: p.Asp1648His; replaces aspartic acid 1648 with histidine.
Molecular consequence: missense variant.
Genome position (GRCh38, 1-based): chr15:48,465,568, C>G on the plus strand (G>C on the coding strand, the complement: FBN1 is on the minus strand). VCF-style: chr15-48465568-C-G. GRCh37 (hg19) VCF-style: chr15-48757765-C-G.
Other names: short protein forms D1648H.
Identifiers: ClinVar variation 1687534 (VCV001687534.1), dbSNP rs397515816, ClinGen allele CA392351050.

ClinVar aggregate classification (germline): Uncertain significance (1 of 4 stars; one submission).

Conditions:
Marfan syndrome (MFS). Also called: Marfan syndrome, classic; MARFAN SYNDROME, TYPE I; Marfan syndrome type 1; Marfan's syndrome; FBN1-Related Marfan Syndrome. Identifiers: Orphanet 284963, Orphanet 558, MedGen C0024796, MONDO:0007947, OMIM 154700.

Submission:

3billion
Classification: Uncertain significance for Marfan syndrome. Last evaluated: 2022-05-22. Review status: criteria provided, single submitter. Criteria: ACMG Guidelines, 2015. Collection method: clinical testing. Allele origin: germline. Affected: yes. Observed: 1 heterozygote.
Comment: The variant is not observed in the gnomAD v2.1.1 dataset. In silico tool predictions suggest damaging effect of the variant on gene or gene product (REVEL: 0.93; 3Cnet: 0.97). A different missense change at the same codon (p.Asp1648Asn) has been reported as pathogenic/likely pathogenic with strong evidence (ClinVar ID: VCV000042375). Therefore, this variant is classified as uncertain significanceaccording to the recommendation of ACMG/AMP guideline.